The following is an entry in ClinVar:

ClinVar aggregate classification (germline): Uncertain significance. Review status: criteria provided, multiple submitters, no conflicts (2 of 4 stars). 2 submissions from 2 submitters: Uncertain significance (2). Last evaluated 2024-10-14.

Allele frequency attached by ClinVar (database versions not stated): gnomAD exomes 0.00002; gnomAD 0.00003; TOPMed 0.00003; ESP Exome Variant Server 0.00008; ExAC 0.00011.
gnomAD v4.1: 39 of 1,599,462 alleles (0.0024%); highest among the groups gnomAD compares: South Asian, 0.0056%; no homozygotes.

Submissions (2):

Blueprint Genetics
Classification: Uncertain significance. Last evaluated: 2024-10-14. Review status: criteria provided, single submitter. Criteria: ACMG Guidelines, 2015. Collection method: clinical testing. Allele origin: germline.

Labcorp Genetics (formerly Invitae), Labcorp
Classification: Uncertain significance. Last evaluated: 2024-08-19. Review status: criteria provided, single submitter. Criteria: Invitae Variant Classification Sherloc (09022015). Collection method: clinical testing. Allele origin: germline.
Comment: This sequence change replaces arginine, which is basic and polar, with cysteine, which is neutral and slightly polar, at codon 1206 of the COL18A1 protein (p.Arg1206Cys). The frequency data for this variant in the population databases is considered unreliable, as metrics indicate poor data quality at this position in the gnomAD database. This variant has not been reported in the literature in individuals affected with COL18A1-related conditions. ClinVar contains an entry for this variant (Variation ID: 2182772). Experimental studies and prediction algorithms are not available or were not evaluated, and the functional significance of this variant is currently unknown. In summary, the available evidence is currently insufficient to determine the role of this variant in disease. Therefore, it has been classified as a Variant of Uncertain Significance.

NM_001379500.1(COL18A1):c.3625C>T (p.Arg1209Cys)

Genes: COL18A1 (collagen type XVIII alpha 1 chain; plus strand), SLC19A1 (solute carrier family 19 member 1; minus strand). Cytogenetic location: 21q22.3.
Variant type: single nucleotide variant.
Coding change: c.3625C>T on transcript NM_001379500.1 (MANE Select); coding-DNA position 3625, C replaced by T.
Protein change: p.Arg1209Cys; replaces arginine 1209 with cysteine.
Molecular consequence: missense variant.
Genome position (GRCh38, 1-based): chr21:45,510,193, C>T. VCF-style: chr21-45510193-C-T. GRCh37 (hg19) VCF-style: chr21-46930107-C-T.
Other names: c.4156C>T, p.Arg1386Cys (NM_030582.4); c.4861C>T, p.Arg1621Cys (NM_130444.3); short protein forms R1209C, R1386C, R1621C.
Identifiers: ClinVar variation 2182772 (VCV002182772.3), dbSNP rs374880663, ClinGen allele CA10067980.
Genomic context (GRCh38, chr21:45,510,193, plus strand): 5'-TGCTTCCAGCAGGCGCGGGCCGTGGGGCTGGCGGGCACCTTCCGCGCCTTCCTGTCCTCG[C>T]GCCTGCAGGACCTGTACAGCATCGTGCGCCGTGCCGACCGCGCAGCCGTGCCCATCGTCA-3'
Protein context (NP_001366429.1, residues 1199-1219): AGTFRAFLSS[Arg1209Cys]LQDLYSIVRR